The following is an entry in ClinVar:

ClinVar aggregate classification (germline): Pathogenic (1 of 4 stars; one submission).

Submission:

Labcorp Genetics (formerly Invitae), Labcorp
Classification: Pathogenic. Last evaluated: 2023-10-10. Review status: criteria provided, single submitter. Criteria: Invitae Variant Classification Sherloc (09022015). Collection method: clinical testing. Allele origin: unknown.
Comment: This variant is a gross deletion of the genomic region encompassing exon(s) 4-5 of the ZBTB20 gene, which includes the termination codon. This deletion extends beyond the assayed region for this gene and therefore may encompass additional genes. While this deletion is not anticipated to lead to nonsense mediated decay, it is expected to alter mRNA translation or result in a truncated protein product. This variant has not been reported in the literature in individuals affected with ZBTB20-related conditions. This variant disrupts a region of the ZBTB20 protein in which other variant(s) (p.Thr627Ala) have been determined to be pathogenic (PMID: 30637921, 32473227). This suggests that this is a clinically significant region of the protein, and that variants that disrupt it are likely to be disease-causing. For these reasons, this variant has been classified as Pathogenic.

Literature cited by the submitters: PubMed 30637921; PubMed 32473227.

NC_000003.11:g.(?_114057852)_(114070745_?)del

Gene: ZBTB20 (zinc finger and BTB domain containing 20; minus strand). Cytogenetic location: 3q13.31.
Variant type: Deletion.
Identifiers: ClinVar variation 3246964 (VCV003246964.1).